The following is an entry in ClinVar:

ClinVar aggregate classification (germline): Likely pathogenic (1 of 4 stars; one submission).

Conditions:
Biotinidase deficiency. Also called: BTD deficiency; Late-onset biotin-responsive multiple carboxylase deficiency; Biotin deficiency. Identifiers: Orphanet 79241, MedGen C0220754, MONDO:0009665, OMIM 253260.

Allele frequency attached by ClinVar (database versions not stated): TOPMed below 0.00001; gnomAD exomes below 0.00001.
gnomAD v4.1: 1 of 1,614,086 alleles (0.000062%); highest among the groups gnomAD compares: African/African-American, 0.0013%; no homozygotes.

Submission:

Labcorp Genetics (formerly Invitae), Labcorp
Classification: Likely pathogenic for Biotinidase deficiency. Last evaluated: 2025-01-06. Review status: criteria provided, single submitter. Criteria: Invitae Variant Classification Sherloc (09022015). Collection method: clinical testing. Allele origin: germline.
Comment: This sequence change replaces aspartic acid, which is acidic and polar, with glycine, which is neutral and non-polar, at codon 444 of the BTD protein (p.Asp444Gly). This variant is not present in population databases (gnomAD no frequency). This missense change has been observed in individual(s) with biotinidase deficiency (internal data). ClinVar contains an entry for this variant (Variation ID: 1358756). Invitae Evidence Modeling of protein sequence and biophysical properties (such as structural, functional, and spatial information, amino acid conservation, physicochemical variation, residue mobility, and thermodynamic stability) indicates that this missense variant is expected to disrupt BTD protein function with a positive predictive value of 95%. This variant disrupts the p.Asp444 amino acid residue in BTD. Other variant(s) that disrupt this residue have been determined to be pathogenic (PMID: 9654207, 10206677, 12227467, 23644139). This suggests that this residue is clinically significant, and that variants that disrupt this residue are likely to be disease-causing. In summary, the currently available evidence indicates that the variant is pathogenic, but additional data are needed to prove that conclusively. Therefore, this variant has been classified as Likely Pathogenic.

Literature cited by the submitters: PubMed 9654207; PubMed 10206677; PubMed 12227467; PubMed 23644139.

NM_001370658.1(BTD):c.1271A>G (p.Asp424Gly)

Gene: BTD (biotinidase; plus strand). Cytogenetic location: 3p25.1.
Variant type: single nucleotide variant.
Coding change: c.1271A>G on transcript NM_001370658.1 (MANE Select); coding-DNA position 1271, A replaced by G.
Protein change: p.Asp424Gly; replaces aspartic acid 424 with glycine.
Molecular consequence: missense variant. On other transcripts: intron variant (2).
Genome position (GRCh38, 1-based): chr3:15,645,187, A>G. VCF-style: chr3-15645187-A-G. GRCh37 (hg19) VCF-style: chr3-15686694-A-G.
Other names: c.1271A>G, p.Asp424Gly (NM_001407367.1, NM_001407368.1, NM_001407369.1 and 16 more transcripts); c.1331A>G, p.Asp444Gly (NM_000060.4); c.1015+256A>G (NM_001370752.1); c.399+3130A>G (NM_001370753.1); short protein forms D424G, D444G.
Identifiers: ClinVar variation 1358756 (VCV001358756.15), dbSNP rs2065662435, ClinGen allele CA351608564.